The following is an entry in ClinVar:

NM_025179.4(PLXNA2):c.2825T>A (p.Met942Lys)

Gene: PLXNA2 (plexin A2; minus strand). Cytogenetic location: 1q32.2.
Variant type: single nucleotide variant.
Coding change: c.2825T>A on transcript NM_025179.4 (MANE Select); coding-DNA position 2825, T replaced by A.
Protein change: p.Met942Lys; replaces methionine 942 with lysine.
Molecular consequence: missense variant.
Genome position (GRCh38, 1-based): chr1:208,054,452, A>T on the plus strand (T>A on the coding strand, the complement: PLXNA2 is on the minus strand). VCF-style: chr1-208054452-A-T. GRCh37 (hg19) VCF-style: chr1-208227797-A-T.
Other names: short protein forms M942K.
Identifiers: ClinVar variation 4987713 (VCV004987713.1).
Genomic context (GRCh38, chr1:208,054,452, plus strand): 5'-CTGCACCTGGCCCTGGACCCAGTACTCACCACGAAGGTGTACTGCTGATGGGACTTCGTC[A>T]TGAACTCTGGCTTACACTCGCCAATACACAGGCGTACTGGCCCGGAGGTGGTTCCCACGA-3'
Protein context (NP_079455.3, residues 932-952): LCIGECKPEF[Met942Lys]TKSHQQYTFV

ClinVar aggregate classification (germline): Uncertain significance (1 of 4 stars; one submission).

Conditions:
PLXNA2-related disorder. Also called: PLXNA2-related condition.

gnomAD v4.1: 5 of 1,614,082 alleles (0.00031%); highest among the groups gnomAD compares: African/African-American, 0.0067%; no homozygotes.

Submission:

PreventionGenetics, part of Exact Sciences
Classification: Uncertain significance for PLXNA2-related condition. Last evaluated: 2025-05-27. Review status: criteria provided, single submitter. Criteria: ACMG Guidelines, 2015. Collection method: clinical testing. Allele origin: germline.
Comment: The PLXNA2 c.2825T>A variant is predicted to result in the amino acid substitution p.Met942Lys. To our knowledge, this variant has not been reported in the literature or in a large population database (gnomAD), indicating this variant is rare. At this time, the clinical significance of this variant is uncertain due to the absence of conclusive functional and genetic evidence.